The following is an entry in ClinVar:

ClinVar aggregate classification (germline): Likely pathogenic (1 of 4 stars; one submission).

Conditions:
Usher syndrome type 2A. Also called: RETINAL DISEASE IN USHER SYNDROME TYPE IIA, MODIFIER OF; USHER SYNDROME, TYPE IIA. Identifiers: Orphanet 231178, Orphanet 886, MedGen C1848634, MONDO:0010169, OMIM 276901.

Submission:

Myriad Genetics, Inc.
Classification: Likely pathogenic for Usher syndrome type 2A. Last evaluated: 2022-03-30. Review status: criteria provided, single submitter. Criteria: Myriad Women's Health Autosomal Recessive and X-Linked Classification Criteria (2021). Collection method: clinical testing. Allele origin: unknown.
Comment: NM_206933.2(USH2A):c.2317A>T(K773*) is expected to be pathogenic in the context of USH2A-related disorders. This variant is predicted to lead to an abnormal or absent protein product due to the creation of a premature termination codon in USH2A, a gene where loss-of-function variants are known to be pathogenic. Please note: this variant was assessed in the context of healthy population screening.

NM_206933.4(USH2A):c.2317A>T (p.Lys773Ter)

Genes: USH2A (usherin; minus strand), LOC122152296 (Sharpr-MPRA regulatory region 8762; plus strand). Cytogenetic location: 1q41.
Variant type: single nucleotide variant.
Coding change: c.2317A>T on transcript NM_206933.4 (MANE Select); coding-DNA position 2317, A replaced by T.
Protein change: p.Lys773Ter; replaces lysine 773 with a stop codon.
Molecular consequence: nonsense.
Genome position (GRCh38, 1-based): chr1:216,247,077, T>A on the plus strand (A>T on the coding strand, the complement: USH2A is on the minus strand). VCF-style: chr1-216247077-T-A. GRCh37 (hg19) VCF-style: chr1-216420419-T-A.
Other names: c.2317A>T, p.Lys773Ter (NM_007123.6); short protein forms K773*.
Identifiers: ClinVar variation 1725560 (VCV001725560.2), dbSNP rs2528163373, ClinGen allele CA344865101.